The following is an entry in ClinVar:

ClinVar aggregate classification (germline): Likely benign (1 of 4 stars; one submission).

Conditions:
Colorectal cancer, susceptibility to, 1. Also called: COLORECTAL ADENOMA AND CANCER, SUSCEPTIBILITY TO; COLORECTAL CANCER, SUSCEPTIBILITY TO, ON CHROMOSOME 9. Identifiers: MedGen C1837315, MONDO:0012132, OMIM 608812.

gnomAD v4.1: 2 of 1,613,992 alleles (0.00012%); highest among the groups gnomAD compares: African/African-American, 0.0027%; no homozygotes.

Submission:

Myriad Genetics, Inc.
Classification: Likely benign for Colorectal cancer, susceptibility to, 1. Last evaluated: 2026-04-22. Review status: criteria provided, single submitter. Criteria: Myriad Autosomal Dominant, Autosomal Recessive and X-Linked Classification Criteria (2023). Collection method: clinical testing. Allele origin: unknown.
Comment: This variant is considered likely benign. This variant is intronic and is not expected to impact mRNA splicing.

NM_024642.5(GALNT12):c.1036-7T>C

Gene: GALNT12 (polypeptide N-acetylgalactosaminyltransferase 12; plus strand). Cytogenetic location: 9q22.33.
Variant type: single nucleotide variant.
Coding change: c.1036-7T>C on transcript NM_024642.5 (MANE Select); 7 bases into the intron before coding-DNA position 1036, T replaced by C.
Molecular consequence: intron variant.
Genome position (GRCh38, 1-based): chr9:98,836,965, T>C. VCF-style: chr9-98836965-T-C. GRCh37 (hg19) VCF-style: chr9-101599247-T-C.
Identifiers: ClinVar variation 4875801 (VCV004875801.1).